The following is an entry in ClinVar:

ClinVar aggregate classification (germline): Benign (0 of 4 stars; one submission).

Conditions:
SPEN-related disorder. Also called: SPEN-related condition.

Allele frequency attached by ClinVar (database versions not stated): ESP Exome Variant Server 0.04126; 1000 Genomes Project 30x 0.04154; gnomAD exomes 0.00324; ExAC 0.01183; gnomAD 0.03508; TOPMed 0.03933; 1000 Genomes Project 0.03954.

Submission:

PreventionGenetics, part of Exact Sciences
Classification: Benign for SPEN-related condition. Last evaluated: 2024-03-29. Review status: no assertion criteria provided. Collection method: clinical testing. Allele origin: germline.
Comment: This variant is classified as benign based on ACMG/AMP sequence variant interpretation guidelines (Richards et al. 2015 PMID: 25741868, with internal and published modifications).

NM_015001.3(SPEN):c.9984T>C (p.Ala3328=)

Gene: SPEN (spen family transcriptional repressor; plus strand). Cytogenetic location: 1p36.13.
Variant type: single nucleotide variant.
Coding change: c.9984T>C on transcript NM_015001.3 (MANE Select); coding-DNA position 9984, T replaced by C.
Protein change: p.Ala3328=; no amino-acid change (alanine 3328 retained).
Molecular consequence: synonymous variant.
Genome position (GRCh38, 1-based): chr1:15,936,224, T>C. VCF-style: chr1-15936224-T-C. GRCh37 (hg19) VCF-style: chr1-16262719-T-C.
Identifiers: ClinVar variation 3037343 (VCV003037343.2), dbSNP rs78672987, ClinGen allele CA620615.